The following is an entry in ClinVar:

ClinVar aggregate classification (germline): Conflicting classifications of pathogenicity. Review status: criteria provided, conflicting classifications (1 of 4 stars). 2 submissions from 2 submitters: Uncertain significance (1); Likely benign (1). Last evaluated 2025-05-20.

Conditions:
Cardiomyopathy (CMYO). Also called: Cardiomyopathies. Identifiers: Orphanet 167848, MedGen C0878544, MONDO:0004994, HP:0001638. Inheritance: Various modes of inheritance.
Cardiovascular phenotype. Identifiers: MedGen CN230736.

gnomAD v4.1: 4 of 1,613,906 alleles (0.00025%); highest among the groups gnomAD compares: African/African-American, 0.004%; no homozygotes.

Submissions (2):

Color Diagnostics, LLC DBA Color Health
Classification: Likely benign for Cardiomyopathy. Last evaluated: 2025-05-20. Review status: criteria provided, single submitter. Criteria: ACMG Guidelines, 2015. Collection method: clinical testing. Allele origin: germline.

Ambry Genetics
Classification: Uncertain significance for Cardiovascular phenotype. Last evaluated: 2024-03-08. Review status: criteria provided, single submitter. Criteria: Ambry Variant Classification Scheme 2023. Collection method: clinical testing. Allele origin: germline.
Comment: The p.P694L variant (also known as c.2081C>T), located in coding exon 22 of the MYBPC3 gene, results from a C to T substitution at nucleotide position 2081. The proline at codon 694 is replaced by leucine, an amino acid with similar properties. This amino acid position is conserved. In addition, this alteration is predicted to be tolerated by in silico analysis. Based on the available evidence, the clinical significance of this alteration remains unclear.

NM_000256.3(MYBPC3):c.2081C>T (p.Pro694Leu)

Gene: MYBPC3 (myosin binding protein C3; minus strand). Cytogenetic location: 11p11.2.
Variant type: single nucleotide variant.
Coding change: c.2081C>T on transcript NM_000256.3 (MANE Select); coding-DNA position 2081, C replaced by T.
Protein change: p.Pro694Leu; replaces proline 694 with leucine.
Molecular consequence: missense variant.
Genome position (GRCh38, 1-based): chr11:47,339,391, G>A on the plus strand (C>T on the coding strand, the complement: MYBPC3 is on the minus strand). VCF-style: chr11-47339391-G-A. GRCh37 (hg19) VCF-style: chr11-47360942-G-A.
Other names: short protein forms P694L.
Identifiers: ClinVar variation 3230872 (VCV003230872.2), dbSNP rs1448112841, ClinGen allele CA380321132.
Genomic context (GRCh38, chr11:47,339,391, plus strand): 5'-TCAAACACCCACTCATCGCTGTCACCTGTGTCCTCTGGGGCATCTGGGGCTGGCCTGGCT[G>A]GGGCCTTATTCCCCTGGGAACAGGGCAGGAGGGAAGTAGGGAGCAGAGGAGCTGACTCAG-3'
Protein context (NP_000247.2, residues 684-704): QKAITQGNKA[Pro694Leu]ARPAPDAPED